The following is an entry in ClinVar:

NM_021224.6(ZNF462):c.4650C>T (p.His1550=)

Gene: ZNF462 (zinc finger protein 462; plus strand). Cytogenetic location: 9q31.2.
Variant type: single nucleotide variant.
Coding change: c.4650C>T on transcript NM_021224.6 (MANE Select); coding-DNA position 4650, C replaced by T.
Protein change: p.His1550=; no amino-acid change (histidine 1550 retained).
Molecular consequence: synonymous variant. On other transcripts: intron variant (1).
Genome position (GRCh38, 1-based): chr9:106,928,562, C>T. VCF-style: chr9-106928562-C-T. GRCh37 (hg19) VCF-style: chr9-109690843-C-T.
Other names: c.3252+1398C>T (NM_001347997.2).
Identifiers: ClinVar variation 3024870 (VCV003024870.22), dbSNP rs143646728, ClinGen allele CA5171856.
Genomic context (GRCh38, chr9:106,928,562, plus strand): 5'-ACTGACCCACTACCAGAAGCGACACCCGTCCATCAAGGTGACCGCTGAGGACTTTGTGCA[C>T]GACGTAGAGCAGTCTGCTGACATATCCCAGAATGACGTGGAGGAGACGAGCAGGATCTTC-3'
Protein context (NP_067047.4, residues 1540-1560): SIKVTAEDFV[His1550=]DVEQSADISQ

ClinVar aggregate classification (germline): Likely benign (1 of 4 stars; one submission).

Allele frequency attached by ClinVar (database versions not stated): 1000 Genomes Project 30x 0.00031; ESP Exome Variant Server 0.00038; 1000 Genomes Project 0.00040; gnomAD 0.00046; TOPMed 0.00048; ExAC 0.00057; gnomAD exomes 0.00069.
gnomAD v4.1: 1,062 of 1,614,012 alleles (0.066%); highest among the groups gnomAD compares: Non-Finnish European, 0.084%; 2 homozygotes.

Submission:

CeGaT Center for Human Genetics Tuebingen
Classification: Likely benign. Last evaluated: 2024-02-01. Review status: criteria provided, single submitter. Criteria: CeGaT Center For Human Genetics Tuebingen Variant Classification Criteria Version 2. Collection method: clinical testing. Allele origin: germline. Affected: yes. Observed: 1 variant allele.
Comment: ZNF462: BP4, BP7